The following is an entry in ClinVar:

NM_001042681.2(RERE):c.3867G>T (p.Met1289Ile)

Gene: RERE (arginine-glutamic acid dipeptide repeats; minus strand). Cytogenetic location: 1p36.23.
Variant type: single nucleotide variant.
Coding change: c.3867G>T on transcript NM_001042681.2 (MANE Select); coding-DNA position 3867, G replaced by T.
Protein change: p.Met1289Ile; replaces methionine 1289 with isoleucine.
Molecular consequence: missense variant.
Genome position (GRCh38, 1-based): chr1:8,358,668, C>A on the plus strand (G>T on the coding strand, the complement: RERE is on the minus strand). VCF-style: chr1-8358668-C-A. GRCh37 (hg19) VCF-style: chr1-8418728-C-A.
Other names: c.2205G>T, p.Met735Ile (NM_001042682.2); c.3867G>T, p.Met1289Ile (NM_012102.4); short protein forms M1289I, M735I.
Identifiers: ClinVar variation 3254888 (VCV003254888.3), dbSNP rs757676858.
Genomic context (GRCh38, chr1:8,358,668, plus strand): 5'-GATCTCCCGCTCCCGGAGCTCCCGCTCGCGGATGGTGGGGTCGACGTTGTAGAGGCCAGG[C>A]ATGTGGTAGGCCAGCAGGGGGTCCGTGGGGTTAAGGGGCATGTAGAAGGGGTGGTTGCGG-3'
Protein context (NP_001036146.1, residues 1279-1299): NPTDPLLAYH[Met1289Ile]PGLYNVDPTI

ClinVar aggregate classification (germline): Conflicting classifications of pathogenicity. Review status: criteria provided, conflicting classifications (1 of 4 stars). 2 submissions from 2 submitters: Uncertain significance (1); Likely benign (1). Last evaluated 2024-03-09.

Conditions:
Neurodevelopmental disorder with or without anomalies of the brain, eye, or heart (NEDBEH). Identifiers: Orphanet 494344, MedGen C5567477, MONDO:0014857, OMIM 616975.

Submissions (2):

Labcorp Genetics (formerly Invitae), Labcorp
Classification: Uncertain significance. Last evaluated: 2024-03-09. Review status: criteria provided, single submitter. Criteria: Invitae Variant Classification Sherloc (09022015). Collection method: clinical testing. Allele origin: germline.
Comment: This sequence change replaces methionine, which is neutral and non-polar, with isoleucine, which is neutral and non-polar, at codon 1289 of the RERE protein (p.Met1289Ile). This variant is not present in population databases (gnomAD no frequency). This variant has not been reported in the literature in individuals affected with RERE-related conditions. Advanced modeling of protein sequence and biophysical properties (such as structural, functional, and spatial information, amino acid conservation, physicochemical variation, residue mobility, and thermodynamic stability) has been performed at Invitae for this missense variant, however the output from this modeling did not meet the statistical confidence thresholds required to predict the impact of this variant on RERE protein function. In summary, the available evidence is currently insufficient to determine the role of this variant in disease. Therefore, it has been classified as a Variant of Uncertain Significance.

Victorian Clinical Genetics Services, Murdoch Childrens Research Institute
Classification: Likely benign for Neurodevelopmental disorder with or without anomalies of the brain, eye, or heart. Last evaluated: 2023-07-17. Review status: criteria provided, single submitter. Criteria: ACMG Guidelines, 2015. Collection method: clinical testing. Allele origin: germline. Inheritance: Autosomal dominant inheritance. Affected: yes.
Comment: Based on the classification scheme VCGS_Germline_v1.3.4, this variant is classified as Likely Benign. Following criteria are met: 0102 - Loss of function is a known mechanism of disease in this gene and is associated with neurodevelopmental disorder with or without anomalies of the brain, eye, or heart (MIM#616975). Dominant-negative is also speculated however, yet yet to be functionally proven (PMID: 29330883). (I) 0107 - This gene is associated with autosomal dominant disease. (I) 0200 - Variant is predicted to result in a missense amino acid change from methionine to leucine. (I) 0251 - This variant is heterozygous. (I) 0308 - Population frequency for this variant is out of keeping with known incidence of neurodevelopmental disorder with or without anomalies of the brain, eye, or heart (MIM#616975) (v2 + v3: 4 heterozygotes, 0 homozygotes). (SB) 0503 - Missense variant with conflicting in silico predictions and uninformative conservation. (I) 0600 - Variant is located in the annotated atrophin-1 domain (DECIPHER). (I) 0705 - No comparable missense variants have previous evidence for pathogenicity. (I) 0807 - This variant has no previous evidence of pathogenicity. (I) 0905 - No published segregation evidence has been identified for this variant. (I) 1007 - No published functional evidence has been identified for this variant. (SP) Legend: (SP) - Supporting pathogenic, (I) - Information, (SB) - Supporting benign

Literature cited by the submitters: PubMed 29330883 (cited by Victorian Clinical Genetics Services, Murdoch Childrens Research Institute).